The following is an entry in ClinVar:

NM_024685.4(BBS10):c.409C>T (p.Gln137Ter)

Gene: BBS10 (Bardet-Biedl syndrome 10; minus strand). Cytogenetic location: 12q21.2.
Variant type: single nucleotide variant.
Coding change: c.409C>T on transcript NM_024685.4 (MANE Select); coding-DNA position 409, C replaced by T.
Protein change: p.Gln137Ter; replaces glutamine 137 with a stop codon.
Molecular consequence: nonsense.
Genome position (GRCh38, 1-based): chr12:76,347,576, G>A on the plus strand (C>T on the coding strand, the complement: BBS10 is on the minus strand). VCF-style: chr12-76347576-G-A. GRCh37 (hg19) VCF-style: chr12-76741356-G-A.
Other names: c.409C>T (NM_024685.3); short protein forms Q137*.
Identifiers: ClinVar variation 1451238 (VCV001451238.9), dbSNP rs2136091166, ClinGen allele CA385815331.

ClinVar aggregate classification (germline): Pathogenic. Review status: criteria provided, multiple submitters, no conflicts (2 of 4 stars). 2 submissions from 2 submitters: Pathogenic (2). Last evaluated 2024-12-06.

Conditions:
BBS10-related disorder. Also called: BBS10-related condition.
Bardet-Biedl syndrome (BBS). Identifiers: Orphanet 110, MedGen C0752166, MONDO:0015229.

Submissions (2):

PreventionGenetics, part of Exact Sciences
Classification: Pathogenic for BBS10-related condition. Last evaluated: 2024-12-06. Review status: criteria provided, single submitter. Criteria: ACMG Guidelines, 2015. Collection method: clinical testing. Allele origin: germline.
Comment: The BBS10 c.409C>T variant is predicted to result in premature protein termination (p.Gln137*). This variant was reported in the compound heterozygous state in an individual with stage 2 chronic kidney disease (Table 2, Sakakibara et al. 2022. PubMed ID: 35140360). To our knowledge, this variant has not been reported in gnomAD, indicating this variant is rare. Nonsense variants in BBS10 are expected to be pathogenic. This variant is interpreted as pathogenic.

Labcorp Genetics (formerly Invitae), Labcorp
Classification: Pathogenic for Bardet-Biedl syndrome. Last evaluated: 2023-04-11. Review status: criteria provided, single submitter. Criteria: Invitae Variant Classification Sherloc (09022015). Collection method: clinical testing. Allele origin: germline.
Comment: This sequence change creates a premature translational stop signal (p.Gln137*) in the BBS10 gene. While this is not anticipated to result in nonsense mediated decay, it is expected to disrupt the last 587 amino acid(s) of the BBS10 protein. This variant is not present in population databases (gnomAD no frequency). This variant has not been reported in the literature in individuals affected with BBS10-related conditions. ClinVar contains an entry for this variant (Variation ID: 1451238). For these reasons, this variant has been classified as Pathogenic. This variant disrupts a region of the BBS10 protein in which other variant(s) (p.Val707*) have been determined to be pathogenic (PMID: 20472660, 22773737, 25982971, 27486776). This suggests that this is a clinically significant region of the protein, and that variants that disrupt it are likely to be disease-causing.

Literature cited by the submitters: PubMed 20472660 (cited by Labcorp Genetics (formerly Invitae), Labcorp); PubMed 22773737 (cited by Labcorp Genetics (formerly Invitae), Labcorp); PubMed 25982971 (cited by Labcorp Genetics (formerly Invitae), Labcorp); PubMed 27486776 (cited by Labcorp Genetics (formerly Invitae), Labcorp).